The following is an entry in ClinVar:

NM_003238.6(TGFB2):c.288_291delinsCTCTTCGTAGTACTCT (p.Glu96_Glu97delinsAspSerSerTer)

Gene: TGFB2 (transforming growth factor beta 2; plus strand). Cytogenetic location: 1q41.
Variant type: Indel.
Coding change: c.288_291delinsCTCTTCGTAGTACTCT on transcript NM_003238.6 (MANE Select); coding-DNA positions 288 to 291, AGAG replaced by CTCTTCGTAGTACTCT.
Protein change: p.Glu96_Glu97delinsAspSerSerTer.
Molecular consequence: nonsense. On other transcripts: non-coding transcript variant (2).
Genome position (GRCh38, 1-based): chr1:218,346,989-218,346,992, AGAG replaced by CTCTTCGTAGTACTCT. VCF-style: chr1-218346989-AGAG-CTCTTCGTAGTACTCT. GRCh37 (hg19) VCF-style: chr1-218520331-AGAG-CTCTTCGTAGTACTCT.
Other names: c.288_291delinsCTCTTCGTAGTACTCT, p.Glu96_Glu97delinsAspSerSerTer (NM_001135599.4).
Identifiers: ClinVar variation 3902191 (VCV003902191.1).

ClinVar aggregate classification (germline): Pathogenic (1 of 4 stars; one submission).

Conditions:
Familial aortopathy. Identifiers: MedGen CN078214.

Submission:

Women's Health and Genetics/Laboratory Corporation of America, LabCorp
Classification: Pathogenic for Familial aortopathy. Last evaluated: 2025-05-15. Review status: criteria provided, single submitter. Criteria: LabCorp Variant Classification Summary - May 2015. Collection method: clinical testing. Allele origin: germline.
Comment: Variant summary: TGFB2 c.288_291delins16 (p.Glu96AspfsX4) results in a premature termination codon, predicted to cause a truncation of the encoded protein or absence of the protein due to nonsense mediated decay, which are commonly known mechanisms for disease. The variant was absent in 245618 control chromosomes. To our knowledge, no occurrence of c.288_291delins16 in individuals affected with Aortopathy and no experimental evidence demonstrating its impact on protein function have been reported. No submitters have cited clinical-significance assessments for this variant to ClinVar. Based on the evidence outlined above, the variant was classified as pathogenic.